The following is an entry in ClinVar:

NM_003201.3(TFAM):c.49T>C (p.Ser17Pro)

Gene: TFAM (transcription factor A, mitochondrial; plus strand). Cytogenetic location: 10q21.1.
Variant type: single nucleotide variant.
Coding change: c.49T>C on transcript NM_003201.3 (MANE Select); coding-DNA position 49, T replaced by C.
Protein change: p.Ser17Pro; replaces serine 17 with proline.
Molecular consequence: missense variant. On other transcripts: non-coding transcript variant (1).
Genome position (GRCh38, 1-based): chr10:58,385,596, T>C. VCF-style: chr10-58385596-T-C. GRCh37 (hg19) VCF-style: chr10-60145356-T-C.
Other names: c.49T>C, p.Ser17Pro (NM_001270782.2); short protein forms S17P.
Identifiers: ClinVar variation 2072138 (VCV002072138.4), dbSNP rs747416899, ClinGen allele CA5507856.

ClinVar aggregate classification (germline): Uncertain significance (1 of 4 stars; one submission).

Allele frequency attached by ClinVar (database versions not stated): TOPMed below 0.00001; ExAC 0.00011.
gnomAD v4.1: 14 of 1,570,232 alleles (0.00089%); highest among the groups gnomAD compares: Middle Eastern, 0.1%; no homozygotes.

Submission:

Labcorp Genetics (formerly Invitae), Labcorp
Classification: Uncertain significance. Last evaluated: 2025-12-19. Review status: criteria provided, single submitter. Criteria: Invitae Variant Classification Sherloc (09022015). Collection method: clinical testing. Allele origin: germline.
Comment: This sequence change replaces serine, which is neutral and polar, with proline, which is neutral and non-polar, at codon 17 of the TFAM protein (p.Ser17Pro). This variant is present in population databases (rs747416899, gnomAD 0.003%). This variant has not been reported in the literature in individuals affected with TFAM-related conditions. ClinVar contains an entry for this variant (Variation ID: 2072138). An algorithm developed to predict the effect of missense changes on protein structure and function (PolyPhen-2) suggests that this variant is likely to be tolerated. In summary, the available evidence is currently insufficient to determine the role of this variant in disease. Therefore, it has been classified as a Variant of Uncertain Significance.